The following is an entry in ClinVar:

NM_001267550.2(TTN):c.106233A>T (p.Lys35411Asn)

Genes: TTN-AS1 (TTN antisense RNA 1; plus strand), TTN (titin; minus strand). Cytogenetic location: 2q31.2.
Variant type: single nucleotide variant.
Coding change: c.106233A>T on transcript NM_001267550.2 (MANE Select); coding-DNA position 106233, A replaced by T.
Protein change: p.Lys35411Asn; replaces lysine 35411 with asparagine.
Molecular consequence: missense variant.
Genome position (GRCh38, 1-based): chr2:178,530,382, T>A on the plus strand (A>T on the coding strand, the complement: TTN is on the minus strand). VCF-style: chr2-178530382-T-A. GRCh37 (hg19) VCF-style: chr2-179395109-T-A.
Other names: c.101310A>T, p.Lys33770Asn (NM_001256850.1); c.79038A>T, p.Lys26346Asn (NM_003319.4); c.98529A>T, p.Lys32843Asn (NM_133378.4); c.79413A>T, p.Lys26471Asn (NM_133432.3); c.79614A>T, p.Lys26538Asn (NM_133437.4); short protein forms K26346N, K26471N, K26538N, K32843N, K33770N, K35411N.
Identifiers: ClinVar variation 3759831 (VCV003759831.2).

ClinVar aggregate classification (germline): Uncertain significance (1 of 4 stars; one submission).

Conditions:
Dilated cardiomyopathy 1G (CMD1G). Identifiers: Orphanet 154, MedGen C1858763, MONDO:0011400, OMIM 604145.
Autosomal recessive limb-girdle muscular dystrophy type 2J (LGMDR10). Also called: Limb-girdle muscular dystrophy, type 2J; MUSCULAR DYSTROPHY, LIMB-GIRDLE, AUTOSOMAL RECESSIVE 10. Identifiers: Orphanet 140922, MedGen C1837342, MONDO:0012127, OMIM 608807.

gnomAD v4.1: 2 of 1,613,970 alleles (0.00012%); highest among the groups gnomAD compares: Non-Finnish European, 0.00017%; no homozygotes.

Submission:

Labcorp Genetics (formerly Invitae), Labcorp
Classification: Uncertain significance for Dilated cardiomyopathy 1G; Autosomal recessive limb-girdle muscular dystrophy type 2J. Last evaluated: 2024-11-19. Review status: criteria provided, single submitter. Criteria: Invitae Variant Classification Sherloc (09022015). Collection method: clinical testing. Allele origin: germline.
Comment: This sequence change replaces lysine, which is basic and polar, with asparagine, which is neutral and polar, at codon 35411 of the TTN protein (p.Lys35411Asn). This variant is not present in population databases (gnomAD no frequency). This variant has not been reported in the literature in individuals affected with TTN-related conditions. Experimental studies and prediction algorithms are not available or were not evaluated, and the functional significance of this variant is currently unknown. This variant is located in the M band of TTN (PMID: 25589632). Non-truncating variants in this region may be relevant for neuromuscular disorders, but have not been definitively shown to cause cardiomyopathy (PMID: 23975875). In summary, the available evidence is currently insufficient to determine the role of this variant in disease. Therefore, it has been classified as a Variant of Uncertain Significance.

Literature cited by the submitters: PubMed 25589632; PubMed 23975875.